The following is an entry in ClinVar:

NM_023110.3(FGFR1):c.81G>T (p.Leu27Phe)

Gene: FGFR1 (fibroblast growth factor receptor 1; minus strand). Cytogenetic location: 8p11.23.
Variant type: single nucleotide variant.
Coding change: c.81G>T on transcript NM_023110.3 (MANE Select); coding-DNA position 81, G replaced by T.
Protein change: p.Leu27Phe; replaces leucine 27 with phenylalanine.
Molecular consequence: missense variant. On other transcripts: 5 prime UTR variant (1).
Genome position (GRCh38, 1-based): chr8:38,457,366, C>A on the plus strand (G>T on the coding strand, the complement: FGFR1 is on the minus strand). VCF-style: chr8-38457366-C-A. GRCh37 (hg19) VCF-style: chr8-38314884-C-A.
Other names: c.81G>T, p.Leu27Phe (NM_001174063.2, NM_001174065.2, NM_001174066.2 and 7 more transcripts); c.-12G>T (NM_001174064.2); c.180G>T, p.Leu60Phe (NM_001174067.2); short protein forms L27F, L60F.
Identifiers: ClinVar variation 1056617 (VCV001056617.5), dbSNP rs1230569367, ClinGen allele CA370767137.

ClinVar aggregate classification (germline): Uncertain significance (1 of 4 stars; one submission).

Conditions:
Hypogonadotropic hypogonadism 2 with or without anosmia (HH2). Also called: HYPOGONADOTROPIC HYPOGONADISM 2 WITHOUT ANOSMIA; HYPOGONADOTROPIC HYPOGONADISM 2 WITH OR WITHOUT ANOSMIA, SUSCEPTIBILITY TO; HYPOGONADOTROPIC HYPOGONADISM 2 WITHOUT ANOSMIA, SUSCEPTIBILITY TO; FGFR1-Related GnRH Deficiency (Kallmann Syndrome 2). Identifiers: Orphanet 478, MedGen C1563720, MONDO:0007844, OMIM 147950. Disease mechanism: loss of function.
Pfeiffer syndrome (ACS5). Also called: ACS V. Identifiers: Orphanet 710, MedGen C0220658, MONDO:0007043, OMIM 101600.

Allele frequency attached by ClinVar (database versions not stated): TOPMed below 0.00001; gnomAD 0.00001; gnomAD exomes 0.00001.
gnomAD v4.1: 16 of 1,613,050 alleles (0.00099%); highest among the groups gnomAD compares: East Asian, 0.0022%; no homozygotes.

Submission:

Labcorp Genetics (formerly Invitae), Labcorp
Classification: Uncertain significance for Pfeiffer syndrome; Hypogonadotropic hypogonadism 2 with or without anosmia. Last evaluated: 2025-02-10. Review status: criteria provided, single submitter. Criteria: Invitae Variant Classification Sherloc (09022015). Collection method: clinical testing. Allele origin: germline.
Comment: This sequence change replaces leucine, which is neutral and non-polar, with phenylalanine, which is neutral and non-polar, at codon 27 of the FGFR1 protein (p.Leu27Phe). This variant is present in population databases (no rsID available, gnomAD 0.006%). This variant has not been reported in the literature in individuals affected with FGFR1-related conditions. ClinVar contains an entry for this variant (Variation ID: 1056617). Invitae Evidence Modeling of protein sequence and biophysical properties (such as structural, functional, and spatial information, amino acid conservation, physicochemical variation, residue mobility, and thermodynamic stability) has been performed for this missense variant. However, the output from this modeling did not meet the statistical confidence thresholds required to predict the impact of this variant on FGFR1 protein function. In summary, the available evidence is currently insufficient to determine the role of this variant in disease. Therefore, it has been classified as a Variant of Uncertain Significance.